The following is an entry in ClinVar:

ClinVar aggregate classification (germline): Uncertain significance (1 of 4 stars; one submission).

Conditions:
RYR1-related disorder. Also called: RYR1-related condition; RYR1-related disorders. Identifiers: MedGen CN239331.

Submission:

Labcorp Genetics (formerly Invitae), Labcorp
Classification: Uncertain significance for RYR1-related disorder. Last evaluated: 2025-04-14. Review status: criteria provided, single submitter. Criteria: Invitae Variant Classification Sherloc (09022015). Collection method: clinical testing. Allele origin: germline.
Comment: This sequence change replaces phenylalanine, which is neutral and non-polar, with leucine, which is neutral and non-polar, at codon 4809 of the RYR1 protein (p.Phe4809Leu). This variant is not present in population databases (gnomAD no frequency). This missense change has been observed in individual(s) with autosomal recessive RYR1-related myopathy (PMID: 25635128). Invitae Evidence Modeling of protein sequence and biophysical properties (such as structural, functional, and spatial information, amino acid conservation, physicochemical variation, residue mobility, and thermodynamic stability) indicates that this missense variant is expected to disrupt RYR1 protein function with a positive predictive value of 80%. In summary, the available evidence is currently insufficient to determine the role of this variant in disease. Therefore, it has been classified as a Variant of Uncertain Significance.

Literature cited by the submitters: PubMed 25635128.

NM_000540.3(RYR1):c.14427C>A (p.Phe4809Leu)

Gene: RYR1 (ryanodine receptor 1; plus strand). Cytogenetic location: 19q13.2.
Variant type: single nucleotide variant.
Coding change: c.14427C>A on transcript NM_000540.3 (MANE Select); coding-DNA position 14427, C replaced by A.
Protein change: p.Phe4809Leu; replaces phenylalanine 4809 with leucine.
Molecular consequence: missense variant.
Genome position (GRCh38, 1-based): chr19:38,580,044, C>A. VCF-style: chr19-38580044-C-A. GRCh37 (hg19) VCF-style: chr19-39070684-C-A.
Other names: c.14412C>A, p.Phe4804Leu (NM_001042723.2); short protein forms F4804L, F4809L.
Identifiers: ClinVar variation 4710546 (VCV004710546.1).